The following is an entry in ClinVar:

NM_018095.6(KBTBD4):c.291C>T (p.Ala97=)

Gene: KBTBD4 (kelch repeat and BTB domain containing 4; minus strand). Cytogenetic location: 11p11.2.
Variant type: single nucleotide variant.
Coding change: c.291C>T on transcript NM_018095.6 (MANE Select); coding-DNA position 291, C replaced by T.
Protein change: p.Ala97=; no amino-acid change (alanine 97 retained).
Molecular consequence: synonymous variant.
Genome position (GRCh38, 1-based): chr11:47,577,757, G>A on the plus strand (C>T on the coding strand, the complement: KBTBD4 is on the minus strand). VCF-style: chr11-47577757-G-A. GRCh37 (hg19) VCF-style: chr11-47599309-G-A.
Other names: c.390C>T, p.Ala130= (NM_001318716.2); c.360C>T, p.Ala120= (NM_001318717.2); c.318C>T, p.Ala106= (NM_001318718.2, NM_001318719.2); c.312C>T, p.Ala104= (NM_001318720.2); c.243C>T, p.Ala81= (NM_001318721.2, NM_001318722.2, NM_001318723.2 and 3 more transcripts).
Identifiers: ClinVar variation 1694637 (VCV001694637.31), dbSNP rs747496830, ClinGen allele CA5977669.

ClinVar aggregate classification (germline): Likely benign (1 of 4 stars; one submission).

Allele frequency attached by ClinVar (database versions not stated): TOPMed 0.00002; gnomAD 0.00005.
gnomAD v4.1: 172 of 1,614,140 alleles (0.011%); highest among the groups gnomAD compares: South Asian, 0.15%; 2 homozygotes.

Submission:

CeGaT Center for Human Genetics Tuebingen
Classification: Likely benign. Last evaluated: 2022-05-01. Review status: criteria provided, single submitter. Criteria: CeGaT Center For Human Genetics Tuebingen Variant Classification Criteria Version 2. Collection method: clinical testing. Allele origin: germline. Affected: yes. Observed: 1 variant allele.
Comment: KBTBD4: BP4, BP7